The following is an entry in ClinVar:

ClinVar aggregate classification (germline): Uncertain significance (1 of 4 stars; one submission).

Conditions:
Infantile neuroaxonal dystrophy (NBIA2A). Also called: NEURODEGENERATION WITH BRAIN IRON ACCUMULATION 2A; SEITELBERGER DISEASE; Infantile neuroaxonal dystrophy 1. Identifiers: Orphanet 35069, MedGen C0270724, MONDO:0024457, OMIM 256600.

gnomAD v4.1: 5 of 1,613,748 alleles (0.00031%); highest among the groups gnomAD compares: Non-Finnish European, 0.00042%; no homozygotes.

Submission:

Labcorp Genetics (formerly Invitae), Labcorp
Classification: Uncertain significance for Infantile neuroaxonal dystrophy. Last evaluated: 2022-08-22. Review status: criteria provided, single submitter. Criteria: Invitae Variant Classification Sherloc (09022015). Collection method: clinical testing. Allele origin: germline.
Comment: In summary, the available evidence is currently insufficient to determine the role of this variant in disease. Therefore, it has been classified as a Variant of Uncertain Significance. Advanced modeling of protein sequence and biophysical properties (such as structural, functional, and spatial information, amino acid conservation, physicochemical variation, residue mobility, and thermodynamic stability) performed at Invitae indicates that this missense variant is expected to disrupt PLA2G6 protein function. This variant has not been reported in the literature in individuals affected with PLA2G6-related conditions. This variant is not present in population databases (gnomAD no frequency). This sequence change replaces valine, which is neutral and non-polar, with leucine, which is neutral and non-polar, at codon 701 of the PLA2G6 protein (p.Val701Leu).

NM_003560.4(PLA2G6):c.2101G>T (p.Val701Leu)

Gene: PLA2G6 (phospholipase A2 group VI; minus strand). Cytogenetic location: 22q13.1.
Variant type: single nucleotide variant.
Coding change: c.2101G>T on transcript NM_003560.4 (MANE Select); coding-DNA position 2101, G replaced by T.
Protein change: p.Val701Leu; replaces valine 701 with leucine.
Molecular consequence: missense variant.
Genome position (GRCh38, 1-based): chr22:38,113,588, C>A on the plus strand (G>T on the coding strand, the complement: PLA2G6 is on the minus strand). VCF-style: chr22-38113588-C-A. GRCh37 (hg19) VCF-style: chr22-38509595-C-A.
Other names: c.1939G>T, p.Val647Leu (NM_001004426.3, NM_001199562.3, NM_001349865.2 and 1 more transcripts); c.2101G>T, p.Val701Leu (NM_001349864.2); c.1567G>T, p.Val523Leu (NM_001349867.2); c.1423G>T, p.Val475Leu (NM_001349868.2); c.1405G>T, p.Val469Leu (NM_001349869.2); short protein forms V647L, V701L, V475L, V523L, V469L.
Identifiers: ClinVar variation 1979567 (VCV001979567.2), dbSNP rs1425743942, ClinGen allele CA411523918.